The following is an entry in ClinVar:

NM_001318852.2(MAPK8IP3):c.2790G>A (p.Pro930=)

Gene: MAPK8IP3 (mitogen-activated protein kinase 8 interacting protein 3; plus strand). Cytogenetic location: 16p13.3.
Variant type: single nucleotide variant.
Coding change: c.2790G>A on transcript NM_001318852.2 (MANE Select); coding-DNA position 2790, G replaced by A.
Protein change: p.Pro930=; no amino-acid change (proline 930 retained).
Molecular consequence: synonymous variant.
Genome position (GRCh38, 1-based): chr16:1,766,380, G>A. VCF-style: chr16-1766380-G-A. GRCh37 (hg19) VCF-style: chr16-1816381-G-A.
Other names: c.2769G>A, p.Pro923= (NM_001040439.2); c.2787G>A, p.Pro929= (NM_015133.5, NM_033392.3).
Identifiers: ClinVar variation 3045477 (VCV003045477.18), dbSNP rs560828179, ClinGen allele CA7817402.

ClinVar aggregate classification (germline): Likely benign. Review status: criteria provided, multiple submitters, no conflicts (2 of 4 stars). 3 submissions from 3 submitters: Likely benign (2). 1 of the submissions does not count toward it. Last evaluated 2024-10-08.

Conditions:
MAPK8IP3-related disorder. Also called: MAPK8IP3-related condition.

Allele frequency attached by ClinVar (database versions not stated): TOPMed 0.00006; gnomAD 0.00014; gnomAD exomes 0.00039; ExAC 0.00095; 1000 Genomes Project 30x 0.00125; 1000 Genomes Project 0.00160.
gnomAD v4.1: 591 of 1,611,668 alleles (0.037%); highest among the groups gnomAD compares: South Asian, 0.59%; 4 homozygotes.

Submissions (3):

Blueprint Genetics
Classification: Likely benign. Last evaluated: 2024-10-08. Review status: criteria provided, single submitter. Criteria: ACMG Guidelines, 2015. Collection method: clinical testing. Allele origin: germline.

CeGaT Center for Human Genetics Tuebingen
Classification: Likely benign. Last evaluated: 2024-08-01. Review status: criteria provided, single submitter. Criteria: CeGaT Center For Human Genetics Tuebingen Variant Classification Criteria Version 2. Collection method: clinical testing. Allele origin: germline. Affected: yes. Observed: 1 variant allele.
Comment: MAPK8IP3: BP4, BP7

PreventionGenetics, part of Exact Sciences
Classification: Benign for MAPK8IP3-related condition. Last evaluated: 2019-11-12. Review status: no assertion criteria provided. Collection method: clinical testing. Allele origin: germline. Not counted in ClinVar's aggregate classification.
Comment: This variant is classified as benign based on ACMG/AMP sequence variant interpretation guidelines (Richards et al. 2015 PMID: 25741868, with internal and published modifications).